The following is an entry in ClinVar:

NM_000455.5(STK11):c.1035C>G (p.His345Gln)

Genes: STK11 (serine/threonine kinase 11; plus strand), LOC130062899 (ATAC-STARR-seq lymphoblastoid active region 13597; plus strand). Cytogenetic location: 19p13.3.
Variant type: single nucleotide variant.
Coding change: c.1035C>G on transcript NM_000455.5 (MANE Select); coding-DNA position 1035, C replaced by G.
Protein change: p.His345Gln; replaces histidine 345 with glutamine.
Molecular consequence: missense variant. On other transcripts: non-coding transcript variant (1).
Genome position (GRCh38, 1-based): chr19:1,223,099, C>G. VCF-style: chr19-1223099-C-G. GRCh37 (hg19) VCF-style: chr19-1223098-C-G.
Other names: c.1035C>G, p.His345Gln (NM_001407255.1); short protein forms H345Q.
Identifiers: ClinVar variation 4551193 (VCV004551193.1).

ClinVar aggregate classification (germline): Uncertain significance (1 of 4 stars; one submission).

Conditions:
Hereditary cancer-predisposing syndrome. Also called: Tumor predisposition; Hereditary Cancer Syndrome; Hereditary neoplastic syndrome; Neoplastic Syndromes, Hereditary. Identifiers: Orphanet 140162, MedGen C0027672, MeSH D009386, MONDO:0015356.

Submission:

Ambry Genetics
Classification: Uncertain significance for Hereditary cancer-predisposing syndrome. Last evaluated: 2025-09-16. Review status: criteria provided, single submitter. Criteria: Ambry Variant Classification Scheme 2023. Collection method: clinical testing. Allele origin: germline.
Comment: The p.H345Q variant (also known as c.1035C>G), located in coding exon 8 of the STK11 gene, results from a C to G substitution at nucleotide position 1035. The histidine at codon 345 is replaced by glutamine, an amino acid with highly similar properties. This amino acid position is highly conserved in available vertebrate species. In addition, this alteration is predicted to be tolerated by in silico analysis. Based on the available evidence, the clinical significance of this variant remains unclear.